The following is an entry in ClinVar:

ClinVar aggregate classification (germline): Uncertain significance (1 of 4 stars; one submission).

Submission:

GeneDx
Classification: Uncertain significance. Last evaluated: 2025-08-12. Review status: criteria provided, single submitter. Criteria: GeneDx Variant Classification Process June 2021. Collection method: clinical testing. Allele origin: germline. Affected: yes.
Comment: Not observed at significant frequency in large population cohorts (gnomAD); In silico analysis supports that this missense variant has a deleterious effect on protein structure/function; Has not been previously published as pathogenic or benign to our knowledge

NM_013436.5(NCKAP1):c.315C>A (p.Asp105Glu)

Gene: NCKAP1 (NCK associated protein 1; minus strand). Cytogenetic location: 2q32.1.
Variant type: single nucleotide variant.
Coding change: c.315C>A on transcript NM_013436.5 (MANE Select); coding-DNA position 315, C replaced by A.
Protein change: p.Asp105Glu; replaces aspartic acid 105 with glutamic acid.
Molecular consequence: missense variant.
Genome position (GRCh38, 1-based): chr2:183,003,028, G>T on the plus strand (C>A on the coding strand, the complement: NCKAP1 is on the minus strand). VCF-style: chr2-183003028-G-T. GRCh37 (hg19) VCF-style: chr2-183867756-G-T.
Other names: c.309C>A, p.Asp103Glu (NM_001437266.1); c.327C>A, p.Asp109Glu (NM_001437267.1); c.333C>A, p.Asp111Glu (NM_205842.3); short protein forms D103E, D105E, D111E, D109E.
Identifiers: ClinVar variation 4795771 (VCV004795771.1).